The following is an entry in ClinVar:

ClinVar aggregate classification (germline): Uncertain significance (1 of 4 stars; one submission).

Conditions:
Inborn genetic diseases. Identifiers: MedGen C0950123, MeSH D030342.

Submission:

Ambry Genetics
Classification: Uncertain significance for Inborn genetic diseases. Last evaluated: 2024-03-03. Review status: criteria provided, single submitter. Criteria: Ambry Variant Classification Scheme 2023. Collection method: clinical testing. Allele origin: germline.
Comment: The p.P1744S variant (also known as c.5230C>T), located in coding exon 36 of the LRRK2 gene, results from a C to T substitution at nucleotide position 5230. The proline at codon 1744 is replaced by serine, an amino acid with similar properties. This amino acid position is conserved. In addition, the in silico prediction for this alteration is inconclusive. Based on the available evidence, the clinical significance of this alteration remains unclear.

NM_198578.4(LRRK2):c.5230C>T (p.Pro1744Ser)

Gene: LRRK2 (leucine rich repeat kinase 2; plus strand). Cytogenetic location: 12q12.
Variant type: single nucleotide variant.
Coding change: c.5230C>T on transcript NM_198578.4 (MANE Select); coding-DNA position 5230, C replaced by T.
Protein change: p.Pro1744Ser; replaces proline 1744 with serine.
Molecular consequence: missense variant.
Genome position (GRCh38, 1-based): chr12:40,322,094, C>T. VCF-style: chr12-40322094-C-T. GRCh37 (hg19) VCF-style: chr12-40715896-C-T.
Other names: short protein forms P1744S.
Identifiers: ClinVar variation 3229689 (VCV003229689.1), dbSNP rs2499883510, ClinGen allele CA384420290.
Genomic context (GRCh38, chr12:40,322,094, plus strand): 5'-GAACGAGCACTTCGCCCAAACAGAATGTATTGGCGACAAGGCATTTACTTAAATTGGTCT[C>T]CTGAAGCTTATTGTCTGGTAGGATCTGAAGTCTTAGACAATCATCCAGAGAGTTTCTTAA-3'
Protein context (NP_940980.4, residues 1734-1754): WRQGIYLNWS[Pro1744Ser]EAYCLVGSEV